The following is an entry in ClinVar:

NM_000077.5(CDKN2A):c.458-92T>A

Gene: CDKN2A (cyclin dependent kinase inhibitor 2A; minus strand). Cytogenetic location: 9p21.3.
Variant type: single nucleotide variant.
Coding change: c.458-92T>A on transcript NM_000077.5 (MANE Select); 92 bases into the intron before coding-DNA position 458, T replaced by A.
Molecular consequence: intron variant.
Genome position (GRCh38, 1-based): chr9:21,968,334, A>T on the plus strand (T>A on the coding strand, the complement: CDKN2A is on the minus strand). VCF-style: chr9-21968334-A-T. GRCh37 (hg19) VCF-style: chr9-21968333-A-T.
Other names: c.305-92T>A (NM_001363763.2); c.*102-92T>A (NM_058195.4); c.*151-92T>A (NM_001195132.2); c.*381-92T>A (NM_058197.5).
Identifiers: ClinVar variation 4294221 (VCV004294221.1).
Genomic context (GRCh38, chr9:21,968,334, plus strand): 5'-AAACCTGAGGTCAAAGATGTGTGGCACATCCCGCCCTCCTCTCTTGCCGTCCCTACCGGC[A>T]TTGAAATACTTATGGATAAAGTTCTCGCAATGGCTTCACGTGCATGTACCCGCCGCCACC-3'

ClinVar aggregate classification (germline): Benign (1 of 4 stars; one submission).

Conditions:
Melanoma-pancreatic cancer syndrome. Identifiers: Orphanet 404560, MedGen C1838547, MONDO:0011713, OMIM 606719. Disease mechanism: loss of function.

Submission:

Myriad Genetics, Inc.
Classification: Benign for Melanoma-pancreatic cancer syndrome. Last evaluated: 2025-08-15. Review status: criteria provided, single submitter. Criteria: Myriad Autosomal Dominant, Autosomal Recessive and X-Linked Classification Criteria (2023). Collection method: clinical testing. Allele origin: unknown.
Comment: This variant is considered benign. This variant is intronic and is not expected to impact mRNA splicing.